The following is an entry in ClinVar:

ClinVar aggregate classification (germline): Benign. Review status: criteria provided, multiple submitters, no conflicts (2 of 4 stars). 3 submissions from 3 submitters: Benign (3). Last evaluated 2026-09-21.

Allele frequency attached by ClinVar (database versions not stated): ESP Exome Variant Server 0.22643; TOPMed 0.23380; 1000 Genomes Project 30x 0.24735; gnomAD 0.22953 and 0.22810; gnomAD exomes 0.23278 and 0.23597; ExAC 0.23591; 1000 Genomes Project 0.25080.
gnomAD v4.1: 348,762 of 1,500,730 alleles (23%); highest among the groups gnomAD compares: Admixed American, 27%; 41,407 homozygotes.

Submissions (3):

Molecular Diagnostic Laboratory for Inherited Cardiovascular Disease, Montreal Heart Institute
Classification: Benign. Last evaluated: 2026-09-21. Review status: criteria provided, single submitter. Criteria: ACMG Guidelines, 2015. Collection method: clinical testing. Allele origin: germline. Affected: no.
Comment: BA1

GeneDx
Classification: Benign. Last evaluated: 2018-06-18. Review status: criteria provided, single submitter. Criteria: GeneDx Variant Classification (06012015). Collection method: clinical testing. Allele origin: germline. Affected: yes.
Comment: This variant is considered likely benign or benign based on one or more of the following criteria: it is a conservative change, it occurs at a poorly conserved position in the protein, it is predicted to be benign by multiple in silico algorithms, and/or has population frequency not consistent with disease.

Breakthrough Genomics
Classification: Benign. Review status: criteria provided, single submitter. Criteria: ACMG Guidelines, 2015. Collection method: not provided. Allele origin: germline. Inheritance: Autosomal recessive inheritance. Affected: yes.

NM_001232.4(CASQ2):c.784-29G>A

Gene: CASQ2 (calsequestrin 2; minus strand). Cytogenetic location: 1p13.1.
Variant type: single nucleotide variant.
Coding change: c.784-29G>A on transcript NM_001232.4 (MANE Select); 29 bases into the intron before coding-DNA position 784, G replaced by A.
Molecular consequence: intron variant.
Genome position (GRCh38, 1-based): chr1:115,717,923, C>T on the plus strand (G>A on the coding strand, the complement: CASQ2 is on the minus strand). VCF-style: chr1-115717923-C-T. GRCh37 (hg19) VCF-style: chr1-116260544-C-T.
Identifiers: ClinVar variation 671743 (VCV000671743.3), dbSNP rs3811001, ClinGen allele CA1023746.